The following is an entry in ClinVar:

ClinVar aggregate classification (germline): Pathogenic (1 of 4 stars; one submission).

Conditions:
Hereditary cancer-predisposing syndrome. Also called: Neoplastic Syndromes, Hereditary; Tumor predisposition; Hereditary Cancer Syndrome; Hereditary neoplastic syndrome. Identifiers: Orphanet 140162, MedGen C0027672, MeSH D009386, MONDO:0015356.

Submission:

Ambry Genetics
Classification: Pathogenic for Hereditary cancer-predisposing syndrome. Last evaluated: 2024-11-29. Review status: criteria provided, single submitter. Criteria: Ambry Variant Classification Scheme 2023. Collection method: clinical testing. Allele origin: germline.
Comment: The c.1899delA pathogenic mutation, located in coding exon 5 of the PALB2 gene, results from a deletion of one nucleotide at nucleotide position 1899, causing a translational frameshift with a predicted alternate stop codon (p.K633Nfs*27). This variant is considered to be rare based on population cohorts in the Genome Aggregation Database (gnomAD). This alteration is expected to result in loss of function by premature protein truncation or nonsense-mediated mRNA decay. As such, this alteration is interpreted as a disease-causing mutation.

NM_024675.4(PALB2):c.1899del (p.Lys633fs)

Gene: PALB2 (partner and localizer of BRCA2; minus strand). Cytogenetic location: 16p12.2.
Variant type: Deletion.
Coding change: c.1899del on transcript NM_024675.4 (MANE Select); coding-DNA position 1899, one base deleted (A; older notation c.1899delA).
Protein change: p.Lys633fs; shifts the reading frame from lysine 633.
Molecular consequence: frameshift variant. On other transcripts: intron variant (1).
Genome position (GRCh38, 1-based): chr16:23,630,255, T deleted on the plus strand (A on the coding strand, the reverse complement: PALB2 is on the minus strand); the first of 5 consecutive T bases (chr16:23,630,255-23,630,259); deleting any one gives the same sequence. VCF-style (leftmost placement, unchanged base first): chr16-23630254-GT-G. GRCh37 (hg19) VCF-style: chr16-23641575-GT-G.
Other names: c.1839del, p.Lys613fs (NM_001407296.1); c.1899del, p.Lys633fs (NM_001407297.1, NM_001407298.1, NM_001407299.1 and 3 more transcripts); c.1014del, p.Lys338fs (NM_001407304.1, NM_001407305.1, NM_001407306.1 and 5 more transcripts); c.111del, p.Lys37fs (NM_001407312.1, NM_001407313.1); c.49-980del (NM_001407314.1); c.1899delA (NM_024675.3); short protein forms K633fs, K338fs, K37fs, K613fs.
Identifiers: ClinVar variation 3413496 (VCV003413496.1).